The following is an entry in ClinVar:

NM_012062.5(DNM1L):c.55G>A (p.Gly19Ser)

Gene: DNM1L (dynamin 1 like; plus strand). Cytogenetic location: 12p11.21.
Variant type: single nucleotide variant.
Coding change: c.55G>A on transcript NM_012062.5 (MANE Select); coding-DNA position 55, G replaced by A.
Protein change: p.Gly19Ser; replaces glycine 19 with serine.
Molecular consequence: missense variant. On other transcripts: 5 prime UTR variant (1).
Genome position (GRCh38, 1-based): chr12:32,679,418, G>A. VCF-style: chr12-32679418-G-A. GRCh37 (hg19) VCF-style: chr12-32832352-G-A.
Other names: c.55G>A, p.Gly19Ser (NM_001278463.2, NM_001278464.2, NM_001278465.2 and 3 more transcripts); c.-151G>A (NM_001278466.2); short protein forms G19S.
Identifiers: ClinVar variation 2746592 (VCV002746592.3), dbSNP rs2540921448, ClinGen allele CA384359462.

ClinVar aggregate classification (germline): Uncertain significance (1 of 4 stars; one submission).

Submission:

Labcorp Genetics (formerly Invitae), Labcorp
Classification: Uncertain significance. Last evaluated: 2023-07-25. Review status: criteria provided, single submitter. Criteria: Invitae Variant Classification Sherloc (09022015). Collection method: clinical testing. Allele origin: germline.
Comment: In summary, the available evidence is currently insufficient to determine the role of this variant in disease. Therefore, it has been classified as a Variant of Uncertain Significance. Algorithms developed to predict the effect of sequence changes on RNA splicing suggest that this variant may create or strengthen a splice site. An algorithm developed to predict the effect of missense changes on protein structure and function (PolyPhen-2) suggests that this variant is likely to be tolerated. This variant has not been reported in the literature in individuals affected with DNM1L-related conditions. This variant is not present in population databases (gnomAD no frequency). This sequence change replaces glycine, which is neutral and non-polar, with serine, which is neutral and polar, at codon 19 of the DNM1L protein (p.Gly19Ser).